The following is an entry in ClinVar:

ClinVar aggregate classification (germline): Uncertain significance (1 of 4 stars; one submission).

Conditions:
Inborn genetic diseases. Identifiers: MedGen C0950123, MeSH D030342.

Submission:

Ambry Genetics
Classification: Uncertain significance for Inborn genetic diseases. Last evaluated: 2026-08-12. Review status: criteria provided, single submitter. Criteria: Ambry Variant Classification Scheme 2023. Collection method: clinical testing. Allele origin: germline.
Comment: The p.S471F variant (also known as c.1412C>T), located in coding exon 7 of the SH2B3 gene, results from a C to T substitution at nucleotide position 1412. The serine at codon 471 is replaced by phenylalanine, an amino acid with highly dissimilar properties. This amino acid position is conserved. In addition, this alteration is predicted to be tolerated by in silico analysis. Based on the available evidence, the clinical significance of this variant remains unclear.

NM_005475.3(SH2B3):c.1412C>T (p.Ser471Phe)

Gene: SH2B3 (SH2B adaptor protein 3; plus strand). Cytogenetic location: 12q24.12.
Variant type: single nucleotide variant.
Coding change: c.1412C>T on transcript NM_005475.3 (MANE Select); coding-DNA position 1412, C replaced by T.
Protein change: p.Ser471Phe; replaces serine 471 with phenylalanine.
Molecular consequence: missense variant.
Genome position (GRCh38, 1-based): chr12:111,447,986, C>T. VCF-style: chr12-111447986-C-T. GRCh37 (hg19) VCF-style: chr12-111885790-C-T.
Other names: c.806C>T, p.Ser269Phe (NM_001291424.1); short protein forms S269F, S471F.
Identifiers: ClinVar variation 5029504 (VCV005029504.1).
Genomic context (GRCh38, chr12:111,447,986, plus strand): 5'-CCTGTCAGCACTTGCCTCAAGACTGATGGTGTGGTCTCTCTTGGTCACTTGTCCTAGGTT[C>T]CTGCAACACGGTCCTCTTCCCTTTCTCCCTTCCTCACTGGGATTCAGAGTCCCTTCCTCA-3'
Protein context (NP_005466.1, residues 461-481): YVVVVSQPPG[Ser471Phe]CNTVLFPFSL